The following is an entry in ClinVar:

ClinVar aggregate classification (germline): Uncertain significance. Review status: criteria provided, multiple submitters, no conflicts (2 of 4 stars). 3 submissions from 3 submitters: Uncertain significance (3). Last evaluated 2025-10-27.

Allele frequency attached by ClinVar (database versions not stated): gnomAD 0.00005; TOPMed 0.00011.
gnomAD v4.1: 16 of 1,613,944 alleles (0.00099%); highest among the groups gnomAD compares: Admixed American, 0.018%; no homozygotes.

Submissions (3):

Labcorp Genetics (formerly Invitae), Labcorp
Classification: Uncertain significance. Last evaluated: 2025-10-27. Review status: criteria provided, single submitter. Criteria: Invitae Variant Classification Sherloc (09022015). Collection method: clinical testing. Allele origin: germline.
Comment: This sequence change replaces alanine, which is neutral and non-polar, with glutamic acid, which is acidic and polar, at codon 605 of the SPTA1 protein (p.Ala605Glu). This variant is present in population databases (no rsID available, gnomAD 0.006%). This variant has not been reported in the literature in individuals affected with SPTA1-related conditions. ClinVar contains an entry for this variant (Variation ID: 993405). Invitae Evidence Modeling of protein sequence and biophysical properties (such as structural, functional, and spatial information, amino acid conservation, physicochemical variation, residue mobility, and thermodynamic stability) indicates that this missense variant is not expected to disrupt SPTA1 protein function with a negative predictive value of 80%. In summary, the available evidence is currently insufficient to determine the role of this variant in disease. Therefore, it has been classified as a Variant of Uncertain Significance.

Ambry Genetics
Classification: Uncertain significance. Last evaluated: 2025-02-13. Review status: criteria provided, single submitter. Criteria: Ambry Variant Classification Scheme 2023. Collection method: clinical testing. Allele origin: germline.

ARUP Laboratories, Molecular Genetics and Genomics, ARUP Laboratories
Classification: Uncertain significance. Last evaluated: 2019-12-19. Review status: criteria provided, single submitter. Criteria: ARUP Molecular Germline Variant Investigation Process. Collection method: clinical testing. Allele origin: germline.

NM_003126.4(SPTA1):c.1814C>A (p.Ala605Glu)

Gene: SPTA1 (spectrin alpha, erythrocytic 1; minus strand). Cytogenetic location: 1q23.1.
Variant type: single nucleotide variant.
Coding change: c.1814C>A on transcript NM_003126.4 (MANE Select); coding-DNA position 1814, C replaced by A.
Protein change: p.Ala605Glu; replaces alanine 605 with glutamic acid.
Molecular consequence: missense variant.
Genome position (GRCh38, 1-based): chr1:158,669,427, G>T on the plus strand (C>A on the coding strand, the complement: SPTA1 is on the minus strand). VCF-style: chr1-158669427-G-T. GRCh37 (hg19) VCF-style: chr1-158639217-G-T.
Other names: c.1814C>A (NM_003126.2); short protein forms A605E.
Identifiers: ClinVar variation 993405 (VCV000993405.10), dbSNP rs929351807, ClinGen allele CA31260595.